The following is an entry in ClinVar:

NM_000209.4(PDX1):c.-18C>T

Gene: PDX1 (pancreatic and duodenal homeobox 1; plus strand). Cytogenetic location: 13q12.2.
Variant type: single nucleotide variant.
Coding change: c.-18C>T on transcript NM_000209.4 (MANE Select); 18 bases upstream of the start codon, C replaced by T.
Molecular consequence: 5 prime UTR variant.
Genome position (GRCh38, 1-based): chr13:27,920,121, C>T. VCF-style: chr13-27920121-C-T. GRCh37 (hg19) VCF-style: chr13-28494258-C-T.
Identifiers: ClinVar variation 36402 (VCV000036402.10), dbSNP rs193922351, ClinGen allele CA325742.

ClinVar aggregate classification (germline): Conflicting classifications of pathogenicity. Review status: criteria provided, conflicting classifications (1 of 4 stars). 4 submissions from 4 submitters: Uncertain significance (1); Benign (1); Likely benign (2). Last evaluated 2026-06-01.

Conditions:
Maturity-onset diabetes of the young type 4 (MODY4). Also called: Maturity-onset diabetes of the young, type IV; MODY, type IV. Identifiers: Orphanet 552, MedGen C1833382, MONDO:0011667, OMIM 606392.

Allele frequency attached by ClinVar (database versions not stated): gnomAD exomes 0.00052 and 0.00122; ExAC 0.00063; 1000 Genomes Project 30x 0.00422; 1000 Genomes Project 0.00459; gnomAD 0.00495 and 0.00540; TOPMed 0.00565.

Submissions (4):

CeGaT Center for Human Genetics Tuebingen
Classification: Likely benign. Last evaluated: 2026-06-01. Review status: criteria provided, single submitter. Criteria: CeGaT Center For Human Genetics Tuebingen Variant Classification Criteria Version 2. Collection method: clinical testing. Allele origin: germline. Affected: yes. Observed: 2 variant alleles.
Comment: PDX1: BS1

Athena Diagnostics
Classification: Benign. Last evaluated: 2025-09-05. Review status: criteria provided, single submitter. Criteria: Athena Diagnostics Criteria. Collection method: clinical testing. Allele origin: unknown.
Comment: The frequency of this variant in the general population is higher than would generally be expected for pathogenic variants in this gene. This nucleotide position exhibits low evolutionary conservation.

GeneDx
Classification: Likely benign. Last evaluated: 2017-08-14. Review status: criteria provided, single submitter. Criteria: GeneDx Variant Classification (06012015). Collection method: clinical testing. Allele origin: germline. Affected: yes.
Comment: This variant is considered likely benign or benign based on one or more of the following criteria: it is a conservative change, it occurs at a poorly conserved position in the protein, it is predicted to be benign by multiple in silico algorithms, and/or has population frequency not consistent with disease.

Women's Health and Genetics/Laboratory Corporation of America, LabCorp
Classification: Uncertain significance for MODY4. Last evaluated: 2011-08-18. Review status: criteria provided, single submitter. Criteria: LabCorp Variant Classification Summary - May 2015. Collection method: curation, clinical testing. Allele origin: germline. Inheritance: autosomal dominant. Affected: yes. Observed: 1 variant allele.
ClinVar note: Converted during submission from uncertain to Uncertain significance.

Literature cited by the submitters: PubMed 26059258 (cited by Athena Diagnostics); PubMed 34344789 (cited by Athena Diagnostics); PubMed 19228875 (cited by Athena Diagnostics); PubMed 14764823 (cited by Athena Diagnostics and Women's Health and Genetics/Laboratory Corporation of America, LabCorp).